The following is an entry in ClinVar:

ClinVar aggregate classification (germline): Uncertain significance (1 of 4 stars; one submission).

Allele frequency attached by ClinVar (database versions not stated): gnomAD exomes 0.00001; TOPMed 0.00001.
gnomAD v4.1: 6 of 1,614,212 alleles (0.00037%); highest among the groups gnomAD compares: Admixed American, 0.005%; no homozygotes.

Submission:

Labcorp Genetics (formerly Invitae), Labcorp
Classification: Uncertain significance. Last evaluated: 2022-07-05. Review status: criteria provided, single submitter. Criteria: Invitae Variant Classification Sherloc (09022015). Collection method: clinical testing. Allele origin: germline.
Comment: This sequence change replaces aspartic acid, which is acidic and polar, with asparagine, which is neutral and polar, at codon 1504 of the TRPM1 protein (p.Asp1504Asn). This variant is present in population databases (no rsID available, gnomAD 0.009%). This variant has not been reported in the literature in individuals affected with TRPM1-related conditions. ClinVar contains an entry for this variant (Variation ID: 1041263). Algorithms developed to predict the effect of missense changes on protein structure and function are either unavailable or do not agree on the potential impact of this missense change (SIFT: "Deleterious"; PolyPhen-2: "Probably Damaging"; Align-GVGD: "Class C0"). In summary, the available evidence is currently insufficient to determine the role of this variant in disease. Therefore, it has been classified as a Variant of Uncertain Significance.

NM_001252024.2(TRPM1):c.4576G>A (p.Asp1526Asn)

Gene: TRPM1 (transient receptor potential cation channel subfamily M member 1; minus strand). Cytogenetic location: 15q13.3.
Variant type: single nucleotide variant.
Coding change: c.4576G>A on transcript NM_001252024.2 (MANE Select); coding-DNA position 4576, G replaced by A.
Protein change: p.Asp1526Asn; replaces aspartic acid 1526 with asparagine.
Molecular consequence: missense variant.
Genome position (GRCh38, 1-based): chr15:31,002,124, C>T on the plus strand (G>A on the coding strand, the complement: TRPM1 is on the minus strand). VCF-style: chr15-31002124-C-T. GRCh37 (hg19) VCF-style: chr15-31294327-C-T.
Other names: c.4627G>A, p.Asp1543Asn (NM_001252020.2); c.4510G>A, p.Asp1504Asn (NM_002420.6); short protein forms D1526N, D1504N, D1543N.
Identifiers: ClinVar variation 1041263 (VCV001041263.6), dbSNP rs1303858824, ClinGen allele CA391522606.